The following is an entry in ClinVar:

ClinVar aggregate classification (germline): Uncertain significance (1 of 4 stars; one submission).

Conditions:
Inborn genetic diseases. Identifiers: MedGen C0950123, MeSH D030342.

gnomAD v4.1: 3 of 1,556,564 alleles (0.00019%); highest among the groups gnomAD compares: South Asian, 0.0037%; no homozygotes.

Submission:

Ambry Genetics
Classification: Uncertain significance for Inborn genetic diseases. Last evaluated: 2024-11-26. Review status: criteria provided, single submitter. Criteria: Ambry Variant Classification Scheme 2023. Collection method: clinical testing. Allele origin: germline.
Comment: The p.R1188K variant (also known as c.3563G>A), located in coding exon 33 of the RTEL1 gene, results from a G to A substitution at nucleotide position 3563. The arginine at codon 1188 is replaced by lysine, an amino acid with highly similar properties. This amino acid position is conserved. In addition, this alteration is predicted to be tolerated by in silico analysis. Based on the available evidence, the clinical significance of this variant remains unclear.

NM_001283009.2(RTEL1):c.3563G>A (p.Arg1188Lys)

Genes: RTEL1 (regulator of telomere elongation helicase 1; plus strand), RTEL1-TNFRSF6B (RTEL1-TNFRSF6B readthrough (NMD candidate); plus strand). Cytogenetic location: 20q13.33.
Variant type: single nucleotide variant.
Coding change: c.3563G>A on transcript NM_001283009.2 (MANE Select); coding-DNA position 3563, G replaced by A.
Protein change: p.Arg1188Lys; replaces arginine 1188 with lysine.
Molecular consequence: missense variant. On other transcripts: non-coding transcript variant (1).
Genome position (GRCh38, 1-based): chr20:63,695,391, G>A. VCF-style: chr20-63695391-G-A. GRCh37 (hg19) VCF-style: chr20-62326744-G-A.
Other names: c.2894G>A, p.Arg965Lys (NM_001283010.1); c.3563G>A, p.Arg1188Lys (NM_016434.4); c.3635G>A, p.Arg1212Lys (NM_032957.5); short protein forms R1188K, R965K, R1212K.
Identifiers: ClinVar variation 3435986 (VCV003435986.1).